The following is an entry in ClinVar:

NM_152393.4(KLHL40):c.1755G>A (p.Arg585=)

Gene: KLHL40 (kelch like family member 40; plus strand). Cytogenetic location: 3p22.1.
Variant type: single nucleotide variant.
Coding change: c.1755G>A on transcript NM_152393.4 (MANE Select); coding-DNA position 1755, G replaced by A.
Protein change: p.Arg585=; no amino-acid change (arginine 585 retained).
Molecular consequence: synonymous variant.
Genome position (GRCh38, 1-based): chr3:42,691,882, G>A. VCF-style: chr3-42691882-G-A. GRCh37 (hg19) VCF-style: chr3-42733374-G-A.
Identifiers: ClinVar variation 1986051 (VCV001986051.3), dbSNP rs1198699463, ClinGen allele CA433213822.

ClinVar aggregate classification (germline): Uncertain significance (1 of 4 stars; one submission).

Conditions:
Nemaline myopathy 8 (NEM8). Also called: Nemaline myopathy 8, autosomal recessive. Identifiers: Orphanet 171430, MedGen C3809209, MONDO:0014138, OMIM 615348.

Allele frequency attached by ClinVar (database versions not stated): TOPMed below 0.00001.

Submission:

Labcorp Genetics (formerly Invitae), Labcorp
Classification: Uncertain significance for Nemaline myopathy 8. Last evaluated: 2023-12-11. Review status: criteria provided, single submitter. Criteria: Invitae Variant Classification Sherloc (09022015). Collection method: clinical testing. Allele origin: germline.
Comment: This sequence change affects codon 585 of the KLHL40 mRNA. It is a 'silent' change, meaning that it does not change the encoded amino acid sequence of the KLHL40 protein. It affects a nucleotide within the consensus splice site. This variant is present in population databases (no rsID available, gnomAD 0.02%). This variant has not been reported in the literature in individuals affected with KLHL40-related conditions. ClinVar contains an entry for this variant (Variation ID: 1986051). Algorithms developed to predict the effect of sequence changes on RNA splicing suggest that this variant is not likely to affect RNA splicing. In summary, the available evidence is currently insufficient to determine the role of this variant in disease. Therefore, it has been classified as a Variant of Uncertain Significance.